The following is an entry in ClinVar:

NM_005633.4(SOS1):c.1459G>A (p.Glu487Lys)

Gene: SOS1 (SOS Ras/Rac guanine nucleotide exchange factor 1; minus strand). Cytogenetic location: 2p22.1.
Variant type: single nucleotide variant.
Coding change: c.1459G>A on transcript NM_005633.4 (MANE Select); coding-DNA position 1459, G replaced by A.
Protein change: p.Glu487Lys; replaces glutamic acid 487 with lysine.
Molecular consequence: missense variant.
Genome position (GRCh38, 1-based): chr2:39,022,969, C>T on the plus strand (G>A on the coding strand, the complement: SOS1 is on the minus strand). VCF-style: chr2-39022969-C-T. GRCh37 (hg19) VCF-style: chr2-39250110-C-T.
Other names: c.1438G>A, p.Glu480Lys (NM_001382394.1); c.1459G>A, p.Glu487Lys (NM_001382395.1); short protein forms E487K, E480K.
Identifiers: ClinVar variation 372635 (VCV000372635.3), dbSNP rs1057517897, ClinGen allele CA16042487.

ClinVar aggregate classification (germline): Conflicting classifications of pathogenicity. Review status: criteria provided, conflicting classifications (1 of 4 stars). 2 submissions from 2 submitters: Likely pathogenic (1); Uncertain significance (1). Last evaluated 2025-09-16.

Submissions (2):

Dasa
Classification: Likely pathogenic. Last evaluated: 2025-09-16. Review status: criteria provided, single submitter. Criteria: DASA Assertion Criteria. Collection method: clinical testing. Allele origin: germline.
Comment: NM_005633.4(SOS1):c.1459G>A (p.Glu487Lys) is a missense variant that results in the substitution of glutamic acid with lysine. The affected residue or protein region has prior evidence supporting clinical relevance. De novo occurrence has been reported in an individual with SOS1-related disorders. This variant is absent from population databases. Based on the currently available evidence, this variant is classified as likely pathogenic.

GeneDx
Classification: Uncertain significance. Last evaluated: 2015-06-02. Review status: criteria provided, single submitter. Criteria: GeneDx Variant Classification (06012015). Collection method: clinical testing. Allele origin: germline. Affected: yes.
Comment: The E487K variant has not been published as a pathogenic variant, nor has it been reported as a benign polymorphism to our knowledge. The E487K variant was not observed in approximately 6500 individuals of European and African American ancestry in the NHLBI Exome Sequencing Project, indicating it is not a common benign variant in these populations. The E487K variant is a non-conservative amino acid substitution, which is likely to impact secondary protein structure as these residues differ in polarity, charge, size and/or other properties. This substitution occurs at a position that is conserved across species, within the PH domain. In silico analysis is inconsistent in its predictions as to whether or not the variant is damaging to the protein structure/function. Missense variants in nearby residues (G482R, L490R) have been reported in the Human Gene Mutation Database in association with Noonan syndrome (Stenson et al., 2014), supporting the functional importance of this region of the protein. Therefore, based on the currently available information, it is unclear whether this variant is a pathogenic variant or a rare benign variant